The following is an entry in ClinVar:

ClinVar aggregate classification (germline): Uncertain significance (1 of 4 stars; one submission).

Allele frequency attached by ClinVar (database versions not stated): gnomAD exomes 0.00001 and 0.00003; ExAC 0.00005; TOPMed 0.00012; gnomAD 0.00016; ESP Exome Variant Server 0.00023; 1000 Genomes Project 0.00040; 1000 Genomes Project 30x 0.00047.
gnomAD v4.1: 38 of 1,614,182 alleles (0.0024%); highest among the groups gnomAD compares: African/African-American, 0.048%; no homozygotes.

Submissions (2):

Labcorp Genetics (formerly Invitae), Labcorp
Classification: Uncertain significance. Last evaluated: 2025-11-25. Review status: criteria provided, single submitter. Criteria: Invitae Variant Classification Sherloc (09022015). Collection method: clinical testing. Allele origin: germline.
Comment: This sequence change replaces aspartic acid, which is acidic and polar, with valine, which is neutral and non-polar, at codon 921 of the ERBIN protein (p.Asp921Val). This variant is present in population databases (rs140225399, gnomAD 0.04%). This variant has not been reported in the literature in individuals affected with ERBIN-related conditions. ClinVar contains an entry for this variant (Variation ID: 1513687). An algorithm developed to predict the effect of missense changes on protein structure and function (PolyPhen-2) suggests that this variant is likely to be disruptive. In summary, the available evidence is currently insufficient to determine the role of this variant in disease. Therefore, it has been classified as a Variant of Uncertain Significance.

Dr. Peter K. Rogan Lab, Western University
No classification provided (evidence only). Condition: Uterine corpus endometrial carcinoma. Review status: no classification provided. Collection method: in vitro. Allele origin: not applicable. Functional consequence: retained intron. Not counted in ClinVar's aggregate classification.

NM_001253697.2(ERBIN):c.2762A>T (p.Asp921Val)

Gene: ERBIN (erbb2 interacting protein; plus strand). Cytogenetic location: 5q12.3.
Variant type: single nucleotide variant.
Coding change: c.2762A>T on transcript NM_001253697.2 (MANE Select); coding-DNA position 2762, A replaced by T.
Protein change: p.Asp921Val; replaces aspartic acid 921 with valine.
Molecular consequence: missense variant.
Genome position (GRCh38, 1-based): chr5:66,054,080, A>T. VCF-style: chr5-66054080-A-T. GRCh37 (hg19) VCF-style: chr5-65349908-A-T.
Other names: c.2762A>T, p.Asp921Val (NM_001006600.3, NM_001253698.2, NM_001253699.2 and 1 more transcripts); c.2750A>T, p.Asp917Val (NM_001253701.2); short protein forms D921V, D917V.
Identifiers: ClinVar variation 1513687 (VCV001513687.9), dbSNP rs140225399, ClinGen allele CA3286536.
Genomic context (GRCh38, chr5:66,054,080, plus strand): 5'-TCACATCTGCTGTTGATGGAAAAAATATAGTCAGGAGCAAGTCTGCCACACTGTTGTATG[A>T]TCAACCATTGCAGGTATTTACTGGTTCTTCCTCATCTTCTGATTTAATATCAGGAACAAA-3'
Protein context (NP_001240626.1, residues 911-931): VRSKSATLLY[Asp921Val]QPLQVFTGSS